The following is an entry in ClinVar:

NC_000009.11:g.(?_97863989)_(98079991_?)dup

Gene: FANCC (FA complementation group C; minus strand). Cytogenetic location: 9q22.32.
Variant type: Duplication.
Identifiers: ClinVar variation 1445445 (VCV001445445.4).

ClinVar aggregate classification (germline): Uncertain significance (1 of 4 stars; one submission).

Conditions:
Fanconi anemia (FA). Also called: Fanconi's anemia. Identifiers: Orphanet 84, MedGen C0015625, MeSH D005199, MONDO:0019391.

Submission:

Labcorp Genetics (formerly Invitae), Labcorp
Classification: Uncertain significance for Fanconi anemia. Last evaluated: 2021-09-26. Review status: criteria provided, single submitter. Criteria: Invitae Variant Classification Sherloc (09022015). Collection method: clinical testing. Allele origin: germline.
Comment: In summary, the available evidence is currently insufficient to determine the role of this variant in disease. Therefore, it has been classified as a Variant of Uncertain Significance. This variant has not been reported in the literature in individuals affected with FANCC-related conditions. A copy number gain of the genomic region encompassing the full coding sequence of the FANCC gene has been identified. The boundaries of this event are unknown as they extend beyond the assayed region for this gene and therefore may encompass additional genes. As the precise location of this event is unknown, it may be in tandem or it may be located elsewhere in the genome.